The following is an entry in ClinVar:

NM_001206999.2(CIT):c.97-7T>C

Genes: CIT (citron rho-interacting serine/threonine kinase; minus strand), LOC126861657 (MED14-independent group 3 enhancer GRCh37_chr12:120306702-120307901; plus strand). Cytogenetic location: 12q24.23.
Variant type: single nucleotide variant.
Coding change: c.97-7T>C on transcript NM_001206999.2 (MANE Select); 7 bases into the intron before coding-DNA position 97, T replaced by C.
Molecular consequence: intron variant.
Genome position (GRCh38, 1-based): chr12:119,869,208, A>G on the plus strand (T>C on the coding strand, the complement: CIT is on the minus strand). VCF-style: chr12-119869208-A-G. GRCh37 (hg19) VCF-style: chr12-120307012-A-G.
Other names: c.97-7T>C (NM_007174.3).
Identifiers: ClinVar variation 1994960 (VCV001994960.4), dbSNP rs1950597872, ClinGen allele CA952448664.

ClinVar aggregate classification (germline): Uncertain significance (1 of 4 stars; one submission).

Allele frequency attached by ClinVar (database versions not stated): gnomAD exomes below 0.00001; gnomAD 0.00001.
gnomAD v4.1: 2 of 1,592,856 alleles (0.00013%); highest among the groups gnomAD compares: African/African-American, 0.0027%; no homozygotes.

Submission:

Labcorp Genetics (formerly Invitae), Labcorp
Classification: Uncertain significance. Last evaluated: 2022-05-17. Review status: criteria provided, single submitter. Criteria: Invitae Variant Classification Sherloc (09022015). Collection method: clinical testing. Allele origin: germline.
Comment: In summary, the available evidence is currently insufficient to determine the role of this variant in disease. Therefore, it has been classified as a Variant of Uncertain Significance. Algorithms developed to predict the effect of sequence changes on RNA splicing suggest that this variant may create or strengthen a splice site. This variant has not been reported in the literature in individuals affected with CIT-related conditions. This variant is not present in population databases (gnomAD no frequency). This sequence change falls in intron 2 of the CIT gene. It does not directly change the encoded amino acid sequence of the CIT protein.